The following is an entry in ClinVar:

NM_005529.7(HSPG2):c.1654+17G>A

Gene: HSPG2 (heparan sulfate proteoglycan 2; minus strand). Cytogenetic location: 1p36.12.
Variant type: single nucleotide variant.
Coding change: c.1654+17G>A on transcript NM_005529.7 (MANE Select); 17 bases into the intron after coding-DNA position 1654, G replaced by A.
Molecular consequence: intron variant.
Genome position (GRCh38, 1-based): chr1:21,884,511, C>T on the plus strand (G>A on the coding strand, the complement: HSPG2 is on the minus strand). VCF-style: chr1-21884511-C-T. GRCh37 (hg19) VCF-style: chr1-22211004-C-T.
Other names: c.1657+17G>A (NM_001291860.2).
Identifiers: ClinVar variation 2133597 (VCV002133597.1), dbSNP rs1365566893, ClinGen allele CA521900635.

ClinVar aggregate classification (germline): Uncertain significance (1 of 4 stars; one submission).

Allele frequency attached by ClinVar (database versions not stated): TOPMed below 0.00001; gnomAD 0.00001.

Submission:

Labcorp Genetics (formerly Invitae), Labcorp
Classification: Uncertain significance. Last evaluated: 2022-06-04. Review status: criteria provided, single submitter. Criteria: Invitae Variant Classification Sherloc (09022015). Collection method: clinical testing. Allele origin: germline.
Comment: This sequence change falls in intron 13 of the HSPG2 gene. It does not directly change the encoded amino acid sequence of the HSPG2 protein. This variant is present in population databases (no rsID available, gnomAD 0.002%). This variant has not been reported in the literature in individuals affected with HSPG2-related conditions. Algorithms developed to predict the effect of sequence changes on RNA splicing suggest that this variant may create or strengthen a splice site. In summary, the available evidence is currently insufficient to determine the role of this variant in disease. Therefore, it has been classified as a Variant of Uncertain Significance.